The following is an entry in ClinVar:

NM_000238.4(KCNH2):c.-29GGCCCGCCC[1]

Gene: KCNH2 (potassium voltage-gated channel subfamily H member 2; minus strand). Cytogenetic location: 7q36.1.
Variant type: Microsatellite.
Coding change: c.-29GGCCCGCCC[1] on transcript NM_000238.4 (MANE Select); one copy of the 9-base unit GGCCCGCCC starting at c.-29; the reference has two copies in a row; one copy, 9 bases deleted.
Molecular consequence: 5 prime UTR variant.
Genome position (GRCh38, 1-based): chr7:150,977,925-150,977,933, GGGCGGGCC deleted on the plus strand (GGCCCGCCC on the coding strand, the reverse complement: KCNH2 is on the minus strand); deleting any 9 consecutive bases within chr7:150,977,925-150,977,942 gives the same sequence; the position shown is the placement nearest the transcript's 3' end. VCF-style (leftmost placement, unchanged base first): chr7-150977924-TGGGCGGGCC-T. GRCh37 (hg19) VCF-style: chr7-150675012-TGGGCGGGCC-T.
Other names: c.-20_-12delGGCCCGCCC (NM_000238.2); c.-29_-21GGCCCGCCC[1] (NM_000238.3, NM_172056.3); c.-20_-12del (NM_000238.3).
Identifiers: ClinVar variation 200270 (VCV000200270.6), dbSNP rs754605400, ClinGen allele CA017192.
Genomic context (GRCh38, chr7:150,977,924, plus strand): 5'-GTGTCCAGGAAGGTGTTCTGCGGCGCGACGTGGCCCCTCCGCACCGGCATCCTGAGCCCA[TGGGCGGGCC>T]GGGCGGGCCCCCACCCACCCCGGCCCGGCCCGGCCCAGCACTAGGCTTCGGGTGGCCCGG-3'

ClinVar aggregate classification (germline): Benign/Likely benign. Review status: criteria provided, multiple submitters, no conflicts (2 of 4 stars). 2 submissions from 2 submitters: Benign (1); Likely benign (1). Last evaluated 2018-06-26.

Conditions:
Cardiac arrhythmia. Also called: Arrhythmia; Cardiac rhythm disease. Identifiers: MedGen C0003811, MONDO:0007263, HP:0011675.

Submissions (2):

Color Diagnostics, LLC DBA Color Health
Classification: Likely benign for Arrhythmia. Last evaluated: 2018-06-26. Review status: criteria provided, single submitter. Criteria: ACMG Guidelines, 2015. Collection method: clinical testing. Allele origin: germline.

GeneDx
Classification: Benign for Cardiac arrhythmia. Last evaluated: 2014-08-23. Review status: criteria provided, single submitter. Criteria: GeneDx Variant Classification (06012015). Collection method: clinical testing. Allele origin: germline. Affected: yes.
Comment: The variant is found in LQT panel(s).